The following is an entry in ClinVar:

NM_000090.4(COL3A1):c.984T>A (p.Ser328Arg)

Gene: COL3A1 (collagen type III alpha 1 chain; plus strand). Cytogenetic location: 2q32.2.
Variant type: single nucleotide variant.
Coding change: c.984T>A on transcript NM_000090.4 (MANE Select); coding-DNA position 984, T replaced by A.
Protein change: p.Ser328Arg; replaces serine 328 with arginine.
Molecular consequence: missense variant.
Genome position (GRCh38, 1-based): chr2:188,992,216, T>A. VCF-style: chr2-188992216-T-A. GRCh37 (hg19) VCF-style: chr2-189856942-T-A.
Other names: short protein forms S328R.
Identifiers: ClinVar variation 4800318 (VCV004800318.1).

ClinVar aggregate classification (germline): Uncertain significance (1 of 4 stars; one submission).

Conditions:
Ehlers-Danlos syndrome, type 4 (EDSVASC). Also called: Ehlers-Danlos syndrome vascular type; Ehlers Danlos syndrome, ecchymotic type; Ehlers Danlos syndrome, arterial type; Ehlers Danlos syndrome, Sack-Barabas type; Ehlers-Danlos Syndrome Type IV. Identifiers: Orphanet 286, MedGen C0268338, MONDO:0017314, OMIM 130050.

Submission:

Labcorp Genetics (formerly Invitae), Labcorp
Classification: Uncertain significance for Ehlers-Danlos syndrome, type 4. Last evaluated: 2025-10-19. Review status: criteria provided, single submitter. Criteria: Invitae Variant Classification Sherloc (09022015). Collection method: clinical testing. Allele origin: germline.
Comment: This sequence change replaces serine, which is neutral and polar, with arginine, which is basic and polar, at codon 328 of the COL3A1 protein (p.Ser328Arg). This variant is not present in population databases (gnomAD no frequency). This variant has not been reported in the literature in individuals affected with COL3A1-related conditions. Invitae Evidence Modeling of protein sequence and biophysical properties (such as structural, functional, and spatial information, amino acid conservation, physicochemical variation, residue mobility, and thermodynamic stability) indicates that this missense variant is not expected to disrupt COL3A1 protein function with a negative predictive value of 95%. In summary, the available evidence is currently insufficient to determine the role of this variant in disease. Therefore, it has been classified as a Variant of Uncertain Significance.